The following is an entry in ClinVar:

ClinVar aggregate classification (germline): Uncertain significance (1 of 4 stars; one submission).

Conditions:
Actin accumulation myopathy (CMYO2A). Also called: Nemaline myopathy type 3; Myopathy, actin, congenital, with excess of thin myofilaments; Myopathy, actin, congenital, with cores; Nemaline myopathy 3, with intranuclear rods; CONGENITAL MYOPATHY 2A, TYPICAL, AUTOSOMAL DOMINANT. Identifiers: Orphanet 98904, MedGen C3711389, MONDO:0008070, OMIM 161800.

Submission:

Labcorp Genetics (formerly Invitae), Labcorp
Classification: Uncertain significance for Actin accumulation myopathy. Last evaluated: 2017-06-05. Review status: criteria provided, single submitter. Criteria: Invitae Variant Classification Sherloc (09022015). Collection method: clinical testing. Allele origin: germline.
Comment: Different missense substitutions at this codon (p.Lys338Glu, p.Lys338Ile) have been been reported in individuals affected with ACTA1-related diseases (PMID: 25470062, 12921789, 16945537). In summary, this variant has uncertain impact on ACTA1 function. The available evidence is currently insufficient to determine its role in disease. Therefore, it has been classified as a Variant of Uncertain Significance. Algorithms developed to predict the effect of missense changes on protein structure and function do not agree on the potential impact of this missense change (SIFT: "Deleterious"; PolyPhen-2: "Benign"; Align-GVGD: "Class C0"). This variant has not been reported in the literature in individuals with an ACTA1-related disease. This variant is not present in population databases (ExAC no frequency). This sequence change replaces lysine with asparagine at codon 338 of the ACTA1 protein (p.Lys338Asn). The lysine residue is highly conserved and there is a moderate physicochemical difference between lysine and asparagine.

Literature cited by the submitters: PubMed 25470062; PubMed 12921789; PubMed 16945537.

NM_001100.4(ACTA1):c.1014A>C (p.Lys338Asn)

Gene: ACTA1 (actin alpha 1, skeletal muscle; minus strand). Cytogenetic location: 1q42.13.
Variant type: single nucleotide variant.
Coding change: c.1014A>C on transcript NM_001100.4 (MANE Select); coding-DNA position 1014, A replaced by C.
Protein change: p.Lys338Asn; replaces lysine 338 with asparagine.
Molecular consequence: missense variant.
Genome position (GRCh38, 1-based): chr1:229,431,619, T>G on the plus strand (A>C on the coding strand, the complement: ACTA1 is on the minus strand). VCF-style: chr1-229431619-T-G. GRCh37 (hg19) VCF-style: chr1-229567366-T-G.
Other names: short protein forms K338N.
Identifiers: ClinVar variation 464112 (VCV000464112.9), dbSNP rs1553255306, ClinGen allele CA345144865.